The following is an entry in ClinVar:

ClinVar aggregate classification (germline): Uncertain significance (1 of 4 stars; one submission).

Conditions:
Kabuki syndrome 2 (KABUK2). Also called: KDM6A-Related Kabuki Syndrome. Identifiers: Orphanet 2322, MedGen C3275495, MONDO:0010465, OMIM 300867.

Submission:

Labcorp Genetics (formerly Invitae), Labcorp
Classification: Uncertain significance for Kabuki syndrome 2. Last evaluated: 2023-07-06. Review status: criteria provided, single submitter. Criteria: Invitae Variant Classification Sherloc (09022015). Collection method: clinical testing. Allele origin: germline.
Comment: This sequence change replaces threonine, which is neutral and polar, with isoleucine, which is neutral and non-polar, at codon 1125 of the KDM6A protein (p.Thr1125Ile). This variant is not present in population databases (gnomAD no frequency). This variant has not been reported in the literature in individuals affected with KDM6A-related conditions. Advanced modeling of protein sequence and biophysical properties (such as structural, functional, and spatial information, amino acid conservation, physicochemical variation, residue mobility, and thermodynamic stability) has been performed at Invitae for this missense variant, however the output from this modeling did not meet the statistical confidence thresholds required to predict the impact of this variant on KDM6A protein function. In summary, the available evidence is currently insufficient to determine the role of this variant in disease. Therefore, it has been classified as a Variant of Uncertain Significance.

NM_001291415.2(KDM6A):c.3530C>T (p.Thr1177Ile)

Gene: KDM6A (lysine demethylase 6A; plus strand). Cytogenetic location: Xp11.3.
Variant type: single nucleotide variant.
Coding change: c.3530C>T on transcript NM_001291415.2 (MANE Select); coding-DNA position 3530, C replaced by T.
Protein change: p.Thr1177Ile; replaces threonine 1177 with isoleucine.
Molecular consequence: missense variant. On other transcripts: non-coding transcript variant (1).
Genome position (GRCh38, 1-based): chrX:45,083,549, C>T. VCF-style: chrX-45083549-C-T. GRCh37 (hg19) VCF-style: chrX-44942794-C-T.
Other names: c.3395C>T, p.Thr1132Ile (NM_001291416.2, NM_001419811.1); c.3239C>T, p.Thr1080Ile (NM_001291417.2); c.3137C>T, p.Thr1046Ile (NM_001291418.2, NM_001419815.1); c.2486C>T, p.Thr829Ile (NM_001291421.2); c.3272C>T, p.Thr1091Ile (NM_001410742.1, NM_001419814.1); c.3530C>T, p.Thr1177Ile (NM_001419809.1); c.3428C>T, p.Thr1143Ile (NM_001419810.1, NM_001419813.1); c.3374C>T, p.Thr1125Ile (NM_001419812.1, NM_021140.4); short protein forms T1080I, T1125I, T1143I, T1177I, T1132I, T829I, T1046I, T1091I.
Identifiers: ClinVar variation 2736422 (VCV002736422.3), dbSNP rs2148152876, ClinGen allele CA412804600.